The following is an entry in ClinVar:

ClinVar aggregate classification (germline): Likely pathogenic (1 of 4 stars; one submission).

Submission:

GeneDx
Classification: Likely pathogenic. Last evaluated: 2022-06-06. Review status: criteria provided, single submitter. Criteria: GeneDx Variant Classification Process June 2021. Collection method: clinical testing. Allele origin: germline. Affected: yes.
Comment: Canonical splice site variant expected to result in aberrant splicing, although in the absence of functional evidence the actual effect of this sequence change is unknown.; Not observed in large population cohorts (gnomAD); Has not been previously published as pathogenic or benign to our knowledge

NM_181332.3(NLGN4X):c.625+1G>A

Gene: NLGN4X (neuroligin 4 X-linked; minus strand). Cytogenetic location: Xp22.32.
Variant type: single nucleotide variant.
Coding change: c.625+1G>A on transcript NM_181332.3 (MANE Select); the canonical splice donor site of the intron after coding-DNA position 625, G replaced by A.
Molecular consequence: splice donor variant.
Genome position (GRCh38, 1-based): chrX:6,029,279, C>T on the plus strand (G>A on the coding strand, the complement: NLGN4X is on the minus strand). VCF-style: chrX-6029279-C-T. GRCh37 (hg19) VCF-style: chrX-5947320-C-T.
Other names: c.625+1G>A (NM_001282145.2, NM_020742.4, NM_001282146.2).
Identifiers: ClinVar variation 1303850 (VCV001303850.3), dbSNP rs2147218789, ClinGen allele CA412014271.